The following is an entry in ClinVar:

NM_000204.5(CFI):c.1705A>C (p.Ile569Leu)

Gene: CFI (complement factor I; minus strand). Cytogenetic location: 4q25.
Variant type: single nucleotide variant.
Coding change: c.1705A>C on transcript NM_000204.5 (MANE Select); coding-DNA position 1705, A replaced by C.
Protein change: p.Ile569Leu; replaces isoleucine 569 with leucine.
Molecular consequence: missense variant. On other transcripts: 3 prime UTR variant (2), non-coding transcript variant (3), intron variant (7).
Genome position (GRCh38, 1-based): chr4:109,740,940, T>G on the plus strand (A>C on the coding strand, the complement: CFI is on the minus strand). VCF-style: chr4-109740940-T-G. GRCh37 (hg19) VCF-style: chr4-110662096-T-G.
Other names: c.1729A>C, p.Ile577Leu (NM_001318057.2); c.1684A>C, p.Ile562Leu (NM_001331035.2); c.1648A>C, p.Ile550Leu (NM_001375283.1); c.1096A>C, p.Ile366Leu (NM_001375284.1); c.1726A>C, p.Ile576Leu (NM_001440986.1); c.*405A>C (NM_001440989.1, NM_001440991.1); c.1513+1551A>C (NM_001375282.1, NM_001375280.1); c.1534+1551A>C (NM_001375281.1, NM_001375279.1); and 2 more; short protein forms I366L, I550L, I562L, I569L, I576L, I577L.
Identifiers: ClinVar variation 4280499 (VCV004280499.2).

ClinVar aggregate classification (germline): Likely pathogenic (1 of 4 stars; one submission).

Conditions:
Atypical hemolytic-uremic syndrome. Identifiers: Orphanet 2134, MedGen C2931788, MONDO:0016244.

Submission:

Genomenon, Inc
Classification: Likely pathogenic for Atypical hemolytic-uremic syndrome. Last evaluated: 2026-09-17. Review status: criteria provided, single submitter. Criteria: Genomenon Sequence Variant Interpretation Standards - Updated. Collection method: curation. Allele origin: germline. Affected: yes.
Comment: CFI p.Ile569Leu (c.1705A>C) is a missense variant that changes the amino acid at codon 569 from Isoleucine to Leucine. This variant has been observed in at least one proband affected with atypical hemolytic-uremic syndrome (PMID:32424742). This variant is located in a mutational hotspot and/or important functional domain. It is absent or not present at a significant frequency in gnomAD. In silico models predict that this variant is possibly or probably damaging. In conclusion, we classify CFI p.Ile569Leu (c.1705A>C) as a likely pathogenic variant.

Literature cited by the submitters: PubMed 32424742.